The following is an entry in ClinVar:

NM_001042492.3(NF1):c.5971_5978del (p.Ile1992fs)

Gene: NF1 (neurofibromin 1; plus strand). Cytogenetic location: 17q11.2.
Variant type: Deletion.
Coding change: c.5971_5978del on transcript NM_001042492.3 (MANE Select); coding-DNA positions 5971 to 5978, 8 bases deleted (TCTATTCA; older notation c.5971_5978delTCTATTCA).
Protein change: p.Ile1992fs; shifts the reading frame from isoleucine 1992.
Molecular consequence: frameshift variant.
Genome position (GRCh38, 1-based): chr17:31,334,996-31,335,003, TCTATTCA deleted; deleting any 8 consecutive bases within chr17:31,334,994-31,335,003 gives the same sequence; the c. name uses the placement nearest the transcript's 3' end. VCF-style (leftmost placement, unchanged base first): chr17-31334993-CCATCTATT-C. GRCh37 (hg19) VCF-style: chr17-29662011-CCATCTATT-C.
Other names: c.5908_5915delTCTATTCA (NM_000267.3); c.5908_5915delTCTATTCA, p.Ile1971Lysfs (NM_000267.4); short protein forms I1992fs, I1971fs.
Identifiers: ClinVar variation 643803 (VCV000643803.8), dbSNP rs1597840273, ClinGen allele CA915949886.

ClinVar aggregate classification (germline): Pathogenic. Review status: criteria provided, multiple submitters, no conflicts (2 of 4 stars). 2 submissions from 2 submitters: Pathogenic (2). Last evaluated 2020-08-20.

Conditions:
Hereditary cancer-predisposing syndrome. Also called: Neoplastic Syndromes, Hereditary; Hereditary Cancer Syndrome; Hereditary neoplastic syndrome; Tumor predisposition. Identifiers: Orphanet 140162, MedGen C0027672, MeSH D009386, MONDO:0015356.
Cardiovascular phenotype. Identifiers: MedGen CN230736.
Neurofibromatosis, type 1 (NF1). Also called: NEUROFIBROMATOSIS, TYPE I, SOMATIC; VON RECKLINGHAUSEN DISEASE; Neurofibromatosis, type I; Peripheral type neurofibromatosis. Identifiers: Orphanet 636, MedGen C0027831, MONDO:0018975, OMIM 162200. Disease mechanism: loss of function.

Submissions (2):

Ambry Genetics
Classification: Pathogenic for Cardiovascular phenotype; Hereditary cancer-predisposing syndrome. Last evaluated: 2020-08-20. Review status: criteria provided, single submitter. Criteria: Ambry Variant Classification Scheme 2023. Collection method: clinical testing. Allele origin: germline.
Comment: The c.5908_5915delTCTATTCA pathogenic mutation, located in coding exon 39 of the NF1 gene, results from a deletion of 8 nucleotides at nucleotide positions 5908 to 5915, causing a translational frameshift with a predicted alternate stop codon (p.I1971Kfs*14). This mutation has been reported in an individual meeting NIH diagnostic criteria for neurofibromatosis type 1 (Valero M et al. J Mol Diagn 2011 Mar;13(2):113-22). This alteration is expected to result in loss of function by premature protein truncation or nonsense-mediated mRNA decay. As such, this alteration is interpreted as a disease-causing mutation.

Labcorp Genetics (formerly Invitae), Labcorp
Classification: Pathogenic for Neurofibromatosis, type 1. Last evaluated: 2018-11-04. Review status: criteria provided, single submitter. Criteria: Invitae Variant Classification Sherloc (09022015). Collection method: clinical testing. Allele origin: germline.
Comment: For these reasons, this variant has been classified as Pathogenic. Loss-of-function variants in NF1 are known to be pathogenic (PMID: 10712197, 23913538). This variant has been observed in an individual affected with neurofibromatosis type 1 (PMID: 21354044). This variant is not present in population databases (ExAC no frequency). This sequence change creates a premature translational stop signal (p.Ile1971Lysfs*14) in the NF1 gene. It is expected to result in an absent or disrupted protein product.

Literature cited by the submitters: PubMed 10712197 (cited by Labcorp Genetics (formerly Invitae), Labcorp); PubMed 23913538 (cited by Labcorp Genetics (formerly Invitae), Labcorp); PubMed 21354044 (cited by Labcorp Genetics (formerly Invitae), Labcorp).